The following is an entry in ClinVar:

NM_002332.3(LRP1):c.4413G>C (p.Val1471=)

Gene: LRP1 (LDL receptor related protein 1; plus strand). Cytogenetic location: 12q13.3.
Variant type: single nucleotide variant.
Coding change: c.4413G>C on transcript NM_002332.3 (MANE Select); coding-DNA position 4413, G replaced by C.
Protein change: p.Val1471=; no amino-acid change (valine 1471 retained).
Molecular consequence: synonymous variant.
Genome position (GRCh38, 1-based): chr12:57,178,410, G>C. VCF-style: chr12-57178410-G-C. GRCh37 (hg19) VCF-style: chr12-57572193-G-C.
Identifiers: ClinVar variation 5017055 (VCV005017055.1).
Genomic context (GRCh38, chr12:57,178,410, plus strand): 5'-TGCTCTTAGGTCAGATGCCATTTACTCAGCCCGTTACGACGGCTCTGGCCACATGGAGGT[G>C]CTTCGGGGACACGAGTTCCTGTCGCACCCGTTTGCAGTGACGCTGTACGGGGGGGAGGTC-3'
Protein context (NP_002323.2, residues 1461-1481): ARYDGSGHME[Val1471=]LRGHEFLSHP

ClinVar aggregate classification (germline): Uncertain significance (1 of 4 stars; one submission).

gnomAD v4.1: 26 of 1,614,112 alleles (0.0016%); highest among the groups gnomAD compares: Middle Eastern, 0.066%; no homozygotes.

Submission:

GeneDx
Classification: Uncertain significance. Last evaluated: 2026-03-26. Review status: criteria provided, single submitter. Criteria: GeneDx Variant Classification Process June 2021. Collection method: clinical testing. Allele origin: germline.
Comment: In silico analysis suggests that this variant does not alter splicing; Has not been previously published as pathogenic or benign to our knowledge; Variants in candidate genes are classified as variants of uncertain significance in accordance with ACMG guidelines (PMID: 25741868)